The following is an entry in ClinVar:

NM_001042492.3(NF1):c.6871del (p.Leu2290_Ile2291insTer)

Gene: NF1 (neurofibromin 1; plus strand). Cytogenetic location: 17q11.2.
Variant type: Deletion.
Coding change: c.6871del on transcript NM_001042492.3 (MANE Select); coding-DNA position 6871, one base deleted (A; older notation c.6871delA).
Protein change: p.Leu2290_Ile2291insTer.
Molecular consequence: nonsense. On other transcripts: frameshift variant (1).
Genome position (GRCh38, 1-based): chr17:31,338,755, A deleted. VCF-style (leftmost placement, unchanged base first): chr17-31338754-GA-G. GRCh37 (hg19) VCF-style: chr17-29665772-GA-G.
Other names: c.6808delA, p.Ile2270Terfs (NM_000267.4).
Identifiers: ClinVar variation 2006516 (VCV002006516.4), dbSNP rs2508762828, ClinGen allele CA2580093167.

ClinVar aggregate classification (germline): Pathogenic (1 of 4 stars; one submission).

Conditions:
Neurofibromatosis, type 1 (NF1). Also called: Neurofibromatosis, type I; Peripheral type neurofibromatosis; VON RECKLINGHAUSEN DISEASE; NEUROFIBROMATOSIS, TYPE I, SOMATIC. Identifiers: Orphanet 636, MedGen C0027831, MONDO:0018975, OMIM 162200. Disease mechanism: loss of function.

Submission:

Labcorp Genetics (formerly Invitae), Labcorp
Classification: Pathogenic for Neurofibromatosis, type 1. Last evaluated: 2022-07-13. Review status: criteria provided, single submitter. Criteria: Invitae Variant Classification Sherloc (09022015). Collection method: clinical testing. Allele origin: germline.
Comment: This sequence change creates a premature translational stop signal (p.Ile2270*) in the NF1 gene. It is expected to result in an absent or disrupted protein product. Loss-of-function variants in NF1 are known to be pathogenic (PMID: 10712197, 23913538). This variant is not present in population databases (gnomAD no frequency). This variant has not been reported in the literature in individuals affected with NF1-related conditions. Algorithms developed to predict the effect of sequence changes on RNA splicing suggest that this variant may disrupt the consensus splice site. For these reasons, this variant has been classified as Pathogenic.

Literature cited by the submitters: PubMed 10712197; PubMed 23913538.